The following is an entry in ClinVar:

ClinVar aggregate classification (germline): Uncertain significance (1 of 4 stars; one submission).

Allele frequency attached by ClinVar (database versions not stated): gnomAD 0.00029; TOPMed 0.00021; ESP Exome Variant Server 0.00008; ExAC 0.00022.
gnomAD v4.1: 569 of 1,614,074 alleles (0.035%); highest among the groups gnomAD compares: Non-Finnish European, 0.045%; no homozygotes.

Submission:

Labcorp Genetics (formerly Invitae), Labcorp
Classification: Uncertain significance. Last evaluated: 2026-01-12. Review status: criteria provided, single submitter. Criteria: Invitae Variant Classification Sherloc (09022015). Collection method: clinical testing. Allele origin: germline.
Comment: This sequence change replaces serine, which is neutral and polar, with tyrosine, which is neutral and polar, at codon 185 of the IL18BP protein (p.Ser185Tyr). This variant is present in population databases (rs375180520, gnomAD 0.04%). This variant has not been reported in the literature in individuals affected with IL18BP-related conditions. ClinVar contains an entry for this variant (Variation ID: 1971100). An algorithm developed to predict the effect of missense changes on protein structure and function (PolyPhen-2) suggests that this variant is likely to be disruptive. In summary, the available evidence is currently insufficient to determine the role of this variant in disease. Therefore, it has been classified as a Variant of Uncertain Significance.

NM_001039660.2(IL18BP):c.554C>A (p.Ser185Tyr)

Gene: IL18BP (interleukin 18 binding protein; plus strand). Cytogenetic location: 11q13.4.
Variant type: single nucleotide variant.
Coding change: c.554C>A on transcript NM_001039660.2 (MANE Select); coding-DNA position 554, C replaced by A.
Protein change: p.Ser185Tyr; replaces serine 185 with tyrosine.
Molecular consequence: missense variant. On other transcripts: synonymous variant (2), 3 prime UTR variant (1).
Genome position (GRCh38, 1-based): chr11:72,001,830, C>A. VCF-style: chr11-72001830-C-A. GRCh37 (hg19) VCF-style: chr11-71712876-C-A.
Other names: c.554C>A, p.Ser185Tyr (NM_001039659.2, NM_001145057.1, NM_173042.2); c.282C>A, p.Leu94= (NM_001145055.1); c.*185C>A (NM_005699.3); c.426C>A, p.Leu142= (NM_173044.3); short protein forms S185Y.
Identifiers: ClinVar variation 1971100 (VCV001971100.5), dbSNP rs375180520, ClinGen allele CA6166320.